The following is an entry in ClinVar:

ClinVar aggregate classification (germline): Likely pathogenic (0 of 4 stars; one submission).

Conditions:
Ornithine aminotransferase deficiency (GACR). Also called: OAT DEFICIENCY; OKT DEFICIENCY; Ornithine ketoacid aminotransferase deficiency; Gyrate atrophy; Gyrate atrophy of choroid and retina; Girate atrophy of the retina. Identifiers: Orphanet 414, MedGen C0018425, MONDO:0009796, OMIM 258870.

Submission:

Juha Muilu Group; Institute for Molecular Medicine Finland (FIMM)
Classification: Likely pathogenic for Ornithine aminotransferase deficiency. Review status: no assertion criteria provided. Collection method: not provided. Allele origin: unknown.
Comment: FinDis database variant: This variant was not found or characterized by our laboratory, data were collected from public sources: see reference
ClinVar note: Converted during submission from probable-pathogenic to Likely pathogenic.

NM_000274.4(OAT):c.978T>A (p.Asn326Lys)

Gene: OAT (ornithine aminotransferase; minus strand). Cytogenetic location: 10q26.13.
Variant type: single nucleotide variant.
Coding change: c.978T>A on transcript NM_000274.4 (MANE Select); coding-DNA position 978, T replaced by A.
Protein change: p.Asn326Lys; replaces asparagine 326 with lysine.
Molecular consequence: missense variant.
Genome position (GRCh38, 1-based): chr10:124,401,762, A>T on the plus strand (T>A on the coding strand, the complement: OAT is on the minus strand). VCF-style: chr10-124401762-A-T. GRCh37 (hg19) VCF-style: chr10-126090331-A-T.
Other names: c.564T>A, p.Asn188Lys (NM_001171814.2); c.978T>A, p.Asn326Lys (NM_001322965.2, NM_001322966.2, NM_001322967.2 and 3 more transcripts); c.657T>A, p.Asn219Lys (NM_001322971.2); c.378T>A, p.Asn126Lys (NM_001322974.2); short protein forms N188K, N326K, N219K, N126K.
Identifiers: ClinVar variation 56140 (VCV000056140.2), dbSNP rs386833622, ClinGen allele CA144186.